The following is an entry in ClinVar:

NM_001849.4(COL6A2):c.1395+82G>A

Gene: COL6A2 (collagen type VI alpha 2 chain; plus strand). Cytogenetic location: 21q22.3.
Variant type: single nucleotide variant.
Coding change: c.1395+82G>A on transcript NM_001849.4 (MANE Select); 82 bases into the intron after coding-DNA position 1395, G replaced by A.
Molecular consequence: intron variant.
Genome position (GRCh38, 1-based): chr21:46,120,659, G>A. VCF-style: chr21-46120659-G-A. GRCh37 (hg19) VCF-style: chr21-47540573-G-A.
Other names: c.1395+82G>A (NM_058175.3, NM_058174.3).
Identifiers: ClinVar variation 679220 (VCV000679220.2), dbSNP rs743503, ClinGen allele CA14865404.

ClinVar aggregate classification (germline): Benign. Review status: criteria provided, multiple submitters, no conflicts (2 of 4 stars). 2 submissions from 2 submitters: Benign (2). Last evaluated 2018-06-19.

Allele frequency attached by ClinVar (database versions not stated): TOPMed 0.28436; gnomAD 0.28903 and 0.29344; 1000 Genomes Project 0.29133; gnomAD exomes 0.33391.
gnomAD v4.1: 436,217 of 1,325,358 alleles (33%); highest among the groups gnomAD compares: Admixed American, 49%; 74,432 homozygotes.

Submissions (2):

GeneDx
Classification: Benign. Last evaluated: 2018-06-19. Review status: criteria provided, single submitter. Criteria: GeneDx Variant Classification (06012015). Collection method: clinical testing. Allele origin: germline. Affected: yes.
Comment: This variant is considered likely benign or benign based on one or more of the following criteria: it is a conservative change, it occurs at a poorly conserved position in the protein, it is predicted to be benign by multiple in silico algorithms, and/or has population frequency not consistent with disease.

Breakthrough Genomics
Classification: Benign. Review status: criteria provided, single submitter. Criteria: ACMG Guidelines, 2015. Collection method: not provided. Allele origin: germline. Inheritance: Autosomal recessive inheritance. Affected: yes.